The following is an entry in ClinVar:

ClinVar aggregate classification (germline): Uncertain significance. Review status: criteria provided, multiple submitters, no conflicts (2 of 4 stars). 4 submissions from 4 submitters: Uncertain significance (3). 1 of the submissions does not count toward it. Last evaluated 2025-05-05.

Conditions:
Inborn genetic diseases. Identifiers: MedGen C0950123, MeSH D030342.
Retinitis pigmentosa 25 (RP25). Identifiers: Orphanet 791, MedGen C1864446, MONDO:0011272, OMIM 602772.

Allele frequency attached by ClinVar (database versions not stated): gnomAD 0.00001; gnomAD exomes 0.00005; TOPMed 0.00006.
gnomAD v4.1: 81 of 1,531,466 alleles (0.0053%); highest among the groups gnomAD compares: Admixed American, 0.014%; no homozygotes.

Submissions (4):

Labcorp Genetics (formerly Invitae), Labcorp
Classification: Uncertain significance. Last evaluated: 2025-05-05. Review status: criteria provided, single submitter. Criteria: Invitae Variant Classification Sherloc (09022015). Collection method: clinical testing. Allele origin: germline.
Comment: This sequence change replaces threonine, which is neutral and polar, with alanine, which is neutral and non-polar, at codon 2408 of the EYS protein (p.Thr2408Ala). This variant is present in population databases (no rsID available, gnomAD 0.01%). This variant has not been reported in the literature in individuals affected with EYS-related conditions. ClinVar contains an entry for this variant (Variation ID: 967943). Invitae Evidence Modeling of protein sequence and biophysical properties (such as structural, functional, and spatial information, amino acid conservation, physicochemical variation, residue mobility, and thermodynamic stability) indicates that this missense variant is not expected to disrupt EYS protein function with a negative predictive value of 80%. In summary, the available evidence is currently insufficient to determine the role of this variant in disease. Therefore, it has been classified as a Variant of Uncertain Significance.

Blueprint Genetics
Classification: Uncertain significance. Last evaluated: 2024-11-20. Review status: criteria provided, single submitter. Criteria: ACMG Guidelines, 2015. Collection method: clinical testing. Allele origin: germline.

Ambry Genetics
Classification: Uncertain significance for Inborn genetic diseases. Last evaluated: 2023-01-26. Review status: criteria provided, single submitter. Criteria: Ambry Variant Classification Scheme 2023. Collection method: clinical testing. Allele origin: germline.

Natera, Inc.
Classification: Uncertain significance for Retinitis pigmentosa type 25. Last evaluated: 2020-11-23. Review status: no assertion criteria provided. Collection method: clinical testing. Allele origin: germline. Not counted in ClinVar's aggregate classification.

NM_001142800.2(EYS):c.7222A>G (p.Thr2408Ala)

Gene: EYS (EGF-like photoreceptor maintenance factor; minus strand). Cytogenetic location: 6q12.
Variant type: single nucleotide variant.
Coding change: c.7222A>G on transcript NM_001142800.2 (MANE Select); coding-DNA position 7222, A replaced by G.
Protein change: p.Thr2408Ala; replaces threonine 2408 with alanine.
Molecular consequence: missense variant.
Genome position (GRCh38, 1-based): chr6:63,864,192, T>C on the plus strand (A>G on the coding strand, the complement: EYS is on the minus strand). VCF-style: chr6-63864192-T-C. GRCh37 (hg19) VCF-style: chr6-64574085-T-C.
Other names: c.7222A>G, p.Thr2408Ala (NM_001292009.2); short protein forms T2408A.
Identifiers: ClinVar variation 967943 (VCV000967943.7), dbSNP rs1418033120, ClinGen allele CA364386155.